The following is an entry in ClinVar:

NM_012398.3(PIP5K1C):c.1807G>A (p.Gly603Ser)

Gene: PIP5K1C (phosphatidylinositol-4-phosphate 5-kinase type 1 gamma; minus strand). Cytogenetic location: 19p13.3.
Variant type: single nucleotide variant.
Coding change: c.1807G>A on transcript NM_012398.3 (MANE Select); coding-DNA position 1807, G replaced by A.
Protein change: p.Gly603Ser; replaces glycine 603 with serine.
Molecular consequence: missense variant.
Genome position (GRCh38, 1-based): chr19:3,638,997, C>T on the plus strand (G>A on the coding strand, the complement: PIP5K1C is on the minus strand). VCF-style: chr19-3638997-C-T. GRCh37 (hg19) VCF-style: chr19-3638995-C-T.
Other names: c.1807G>A, p.Gly603Ser (NM_001195733.2, NM_001300849.2); short protein forms G603S.
Identifiers: ClinVar variation 3050718 (VCV003050718.3), dbSNP rs564190032, ClinGen allele CA9082047.

ClinVar aggregate classification (germline): Benign. Review status: criteria provided, single submitter (1 of 4 stars). 2 submissions from 2 submitters: Benign (1). 1 of the submissions does not count toward it. Last evaluated 2025-11-13.

Conditions:
PIP5K1C-related disorder. Also called: PIP5K1C-related condition.

Allele frequency attached by ClinVar (database versions not stated): 1000 Genomes Project 30x 0.00094; 1000 Genomes Project 0.00100; ExAC 0.00106; gnomAD 0.00032; gnomAD exomes 0.00052.

Submissions (2):

Labcorp Genetics (formerly Invitae), Labcorp
Classification: Benign. Last evaluated: 2025-11-13. Review status: criteria provided, single submitter. Criteria: Invitae Variant Classification Sherloc (09022015). Collection method: clinical testing. Allele origin: germline.

PreventionGenetics, part of Exact Sciences
Classification: Benign for PIP5K1C-related condition. Last evaluated: 2019-07-10. Review status: no assertion criteria provided. Collection method: clinical testing. Allele origin: germline. Not counted in ClinVar's aggregate classification.
Comment: This variant is classified as benign based on ACMG/AMP sequence variant interpretation guidelines (Richards et al. 2015 PMID: 25741868, with internal and published modifications).